The following is an entry in ClinVar:

ClinVar aggregate classification (germline): Uncertain significance (1 of 4 stars; one submission).

Submission:

Women's Health and Genetics/Laboratory Corporation of America, LabCorp
Classification: Uncertain significance. Last evaluated: 2025-10-01. Review status: criteria provided, single submitter. Criteria: LabCorp Variant Classification Summary - May 2015. Collection method: clinical testing. Allele origin: germline.
Comment: Variant summary: TUBA1A c.618T>A (p.Asn206Lys) results in a non-conservative amino acid change in the encoded protein sequence. Algorithms developed to predict the effect of missense changes on protein structure and function all suggest that this variant is likely to be disruptive. The variant was absent in 251426 control chromosomes. The available data on variant occurrences in the general population are insufficient to allow any conclusion about variant significance. To our knowledge, no occurrence of c.618T>A in individuals affected with TUBA1A-related conditions and no experimental evidence demonstrating its impact on protein function have been reported. No submitters have cited clinical-significance assessments for this variant to ClinVar. Based on the evidence outlined above, the variant was classified as uncertain significance.

NM_006009.4(TUBA1A):c.618T>A (p.Asn206Lys)

Gene: TUBA1A (tubulin alpha 1a; minus strand). Cytogenetic location: 12q13.12.
Variant type: single nucleotide variant.
Coding change: c.618T>A on transcript NM_006009.4 (MANE Select); coding-DNA position 618, T replaced by A.
Protein change: p.Asn206Lys; replaces asparagine 206 with lysine.
Molecular consequence: missense variant.
Genome position (GRCh38, 1-based): chr12:49,185,748, A>T on the plus strand (T>A on the coding strand, the complement: TUBA1A is on the minus strand). VCF-style: chr12-49185748-A-T. GRCh37 (hg19) VCF-style: chr12-49579531-A-T.
Other names: c.618T>A, p.Asn206Lys (NM_001270399.2); c.513T>A, p.Asn171Lys (NM_001270400.2); short protein forms N171K, N206K.
Identifiers: ClinVar variation 4687621 (VCV004687621.1).
Genomic context (GRCh38, chr12:49,185,748, plus strand): 5'-GTTAGTATAGGTTGGACGCTCAATATCGAGGTTTCTACGACAGATGTCATAGATGGCCTC[A>T]TTGTCTACCATGAAGGCACAATCAGAGTGCTCCAGGGTGGTGTGGGTGGTGAGGATGGAG-3'
Protein context (NP_006000.2, residues 196-216): EHSDCAFMVD[Asn206Lys]EAIYDICRRN